The following is an entry in ClinVar:

ClinVar aggregate classification (germline): Uncertain significance. Review status: criteria provided, multiple submitters, no conflicts (2 of 4 stars). 3 submissions from 3 submitters: Uncertain significance (3). Last evaluated 2024-09-05.

Conditions:
Inborn genetic diseases. Identifiers: MedGen C0950123, MeSH D030342.

Allele frequency attached by ClinVar (database versions not stated): ExAC 0.00002; gnomAD exomes 0.00002; TOPMed 0.00002; gnomAD 0.00003 and 0.00004.
gnomAD v4.1: 35 of 1,614,006 alleles (0.0022%); highest among the groups gnomAD compares: African/African-American, 0.008%; no homozygotes.

Submissions (3):

Labcorp Genetics (formerly Invitae), Labcorp
Classification: Uncertain significance. Last evaluated: 2024-09-05. Review status: criteria provided, single submitter. Criteria: Invitae Variant Classification Sherloc (09022015). Collection method: clinical testing. Allele origin: germline.
Comment: This sequence change replaces glycine, which is neutral and non-polar, with arginine, which is basic and polar, at codon 125 of the GJB3 protein (p.Gly125Arg). This variant is present in population databases (rs753289516, gnomAD 0.006%). This variant has not been reported in the literature in individuals affected with GJB3-related conditions. ClinVar contains an entry for this variant (Variation ID: 1310884). Invitae Evidence Modeling of protein sequence and biophysical properties (such as structural, functional, and spatial information, amino acid conservation, physicochemical variation, residue mobility, and thermodynamic stability) indicates that this missense variant is not expected to disrupt GJB3 protein function with a negative predictive value of 80%. In summary, the available evidence is currently insufficient to determine the role of this variant in disease. Therefore, it has been classified as a Variant of Uncertain Significance.

GeneDx
Classification: Uncertain significance. Last evaluated: 2024-08-02. Review status: criteria provided, single submitter. Criteria: GeneDx Variant Classification Process June 2021. Collection method: clinical testing. Allele origin: germline. Affected: yes.
Comment: In silico analysis supports that this missense variant has a deleterious effect on protein structure/function; Has not been previously published as pathogenic or benign to our knowledge

Ambry Genetics
Classification: Uncertain significance for Inborn genetic diseases. Last evaluated: 2024-01-03. Review status: criteria provided, single submitter. Criteria: Ambry Variant Classification Scheme 2023. Collection method: clinical testing. Allele origin: germline.

NM_024009.3(GJB3):c.373G>A (p.Gly125Arg)

Gene: GJB3 (gap junction protein beta 3; plus strand). Cytogenetic location: 1p34.3.
Variant type: single nucleotide variant.
Coding change: c.373G>A on transcript NM_024009.3 (MANE Select); coding-DNA position 373, G replaced by A.
Protein change: p.Gly125Arg; replaces glycine 125 with arginine.
Molecular consequence: missense variant.
Genome position (GRCh38, 1-based): chr1:34,785,135, G>A. VCF-style: chr1-34785135-G-A. GRCh37 (hg19) VCF-style: chr1-35250736-G-A.
Other names: c.373G>A, p.Gly125Arg (NM_001005752.2); short protein forms G125R.
Identifiers: ClinVar variation 1310884 (VCV001310884.7), dbSNP rs753289516, ClinGen allele CA754825.
Genomic context (GRCh38, chr1:34,785,135, plus strand): 5'-CACCGCCAGAAACACGGGGACCAGTGCGCCAAGCTGTACGACAACGCAGGCAAGAAGCAC[G>A]GAGGCCTGTGGTGGACCTACCTGTTCAGCCTCATCTTCAAGCTCATCATTGAGTTCCTCT-3'
Protein context (NP_076872.1, residues 115-135): KLYDNAGKKH[Gly125Arg]GLWWTYLFSL